The following is an entry in ClinVar:

NM_018026.4(PACS1):c.1439A>G (p.Lys480Arg)

Gene: PACS1 (phosphofurin acidic cluster sorting protein 1; plus strand). Cytogenetic location: 11q13.2.
Variant type: single nucleotide variant.
Coding change: c.1439A>G on transcript NM_018026.4 (MANE Select); coding-DNA position 1439, A replaced by G.
Protein change: p.Lys480Arg; replaces lysine 480 with arginine.
Molecular consequence: missense variant.
Genome position (GRCh38, 1-based): chr11:66,230,612, A>G. VCF-style: chr11-66230612-A-G. GRCh37 (hg19) VCF-style: chr11-65998083-A-G.
Other names: short protein forms K480R.
Identifiers: ClinVar variation 3023706 (VCV003023706.3), dbSNP rs2495580665, ClinGen allele CA381366508.
Genomic context (GRCh38, chr11:66,230,612, plus strand): 5'-TCACTGACCAGGACATGTTTGGAGATGCCAGCACGAGTCTGGTTGTGCCGGAGAAAGTCA[A>G]AACTCCCATGAAGTCCAGTAAAACGGATCTCCAGGGCTCTGCCTCCCCCAGGTACTGCAG-3'
Protein context (NP_060496.2, residues 470-490): STSLVVPEKV[Lys480Arg]TPMKSSKTDL

ClinVar aggregate classification (germline): Uncertain significance (1 of 4 stars; one submission).

Conditions:
Schuurs-Hoeijmakers syndrome. Also called: PACS1-Related Neurodevelopmental Disorder. Identifiers: Orphanet 329224, MedGen C3554343, MONDO:0014006, OMIM 615009.

Allele frequency attached by ClinVar (database versions not stated): gnomAD exomes 0.00001.
gnomAD v4.1: 9 of 1,614,162 alleles (0.00056%); highest among the groups gnomAD compares: Non-Finnish European, 0.00076%; no homozygotes.

Submission:

Labcorp Genetics (formerly Invitae), Labcorp
Classification: Uncertain significance for Schuurs-Hoeijmakers syndrome. Last evaluated: 2023-08-17. Review status: criteria provided, single submitter. Criteria: Invitae Variant Classification Sherloc (09022015). Collection method: clinical testing. Allele origin: germline.
Comment: This sequence change replaces lysine, which is basic and polar, with arginine, which is basic and polar, at codon 480 of the PACS1 protein (p.Lys480Arg). This variant is not present in population databases (gnomAD no frequency). This variant has not been reported in the literature in individuals affected with PACS1-related conditions. Advanced modeling of protein sequence and biophysical properties (such as structural, functional, and spatial information, amino acid conservation, physicochemical variation, residue mobility, and thermodynamic stability) performed at Invitae indicates that this missense variant is not expected to disrupt PACS1 protein function. In summary, the available evidence is currently insufficient to determine the role of this variant in disease. Therefore, it has been classified as a Variant of Uncertain Significance.